The following is an entry in ClinVar:

NM_201384.3(PLEC):c.12710C>T (p.Ser4237Leu)

Gene: PLEC (plectin; minus strand). Cytogenetic location: 8q24.3.
Variant type: single nucleotide variant.
Coding change: c.12710C>T on transcript NM_201384.3 (MANE Select); coding-DNA position 12710, C replaced by T.
Protein change: p.Ser4237Leu; replaces serine 4237 with leucine.
Molecular consequence: missense variant.
Genome position (GRCh38, 1-based): chr8:143,917,111, G>A on the plus strand (C>T on the coding strand, the complement: PLEC is on the minus strand). VCF-style: chr8-143917111-G-A. GRCh37 (hg19) VCF-style: chr8-144991279-G-A.
Other names: c.12791C>T, p.Ser4264Leu (NM_000445.5); c.12668C>T, p.Ser4223Leu (NM_201378.4); c.12644C>T, p.Ser4215Leu (NM_201379.3); c.13121C>T, p.Ser4374Leu (NM_201380.4); c.12614C>T, p.Ser4205Leu (NM_201381.3); c.12710C>T, p.Ser4237Leu (NM_201382.4); c.12722C>T, p.Ser4241Leu (NM_201383.3); short protein forms S4223L, S4374L, S4264L, S4205L, S4215L, S4241L, S4237L.
Identifiers: ClinVar variation 859157 (VCV000859157.8), dbSNP rs782530213, ClinGen allele CA4924003.

ClinVar aggregate classification (germline): Uncertain significance (1 of 4 stars; one submission).

Conditions:
Epidermolysis bullosa simplex 5B, with muscular dystrophy (EBS5B). Also called: Epidermolysis bullosa simplex with muscular dystrophy; EPIDERMOLYSIS BULLOSA SIMPLEX AND LIMB-GIRDLE MUSCULAR DYSTROPHY. Identifiers: Orphanet 257, MedGen C2931072, MONDO:0009181, OMIM 226670.
Epidermolysis bullosa simplex 5C, with pyloric atresia (EBS5C). Also called: PLEC1-Related Epidermolysis Bullosa with Pyloric Atresia; Epidermolysis bullosa simplex with pyloric atresia; PLEC-Related Epidermolysis Bullosa with Pyloric Atresia. Identifiers: Orphanet 158684, MedGen C2677349, MONDO:0012807, OMIM 612138.
Epidermolysis bullosa simplex, Ogna type (EBS5A). Also called: Pidermolysis bullosa simplex 5A, Ogna type; EPIDERMOLYSIS BULLOSA SIMPLEX 5A, OGNA TYPE. Identifiers: Orphanet 79401, MedGen C0432317, MONDO:0007555, OMIM 131950.
Autosomal recessive limb-girdle muscular dystrophy type 2Q (LGMDR17). Also called: MUSCULAR DYSTROPHY, LIMB-GIRDLE, AUTOSOMAL RECESSIVE 17. Identifiers: Orphanet 254361, MedGen C3150989, MONDO:0013390, OMIM 613723.
Epidermolysis bullosa simplex with nail dystrophy (EBS5D). Identifiers: MedGen C4225309, MONDO:0014661, OMIM 616487.

Allele frequency attached by ClinVar (database versions not stated): gnomAD exomes 0.00002 and 0.00003; TOPMed 0.00002; ExAC 0.00003; gnomAD 0.00003 and 0.00004.
gnomAD v4.1: 31 of 1,604,726 alleles (0.0019%); highest among the groups gnomAD compares: East Asian, 0.009%; no homozygotes.

Submission:

Labcorp Genetics (formerly Invitae), Labcorp
Classification: Uncertain significance for Autosomal recessive limb-girdle muscular dystrophy type 2Q; Epidermolysis bullosa simplex, Ogna type; Epidermolysis bullosa simplex with nail dystrophy; Epidermolysis bullosa simplex 5C, with pyloric atresia; Epidermolysis bullosa simplex 5B, with muscular dystrophy. Last evaluated: 2025-01-12. Review status: criteria provided, single submitter. Criteria: Invitae Variant Classification Sherloc (09022015). Collection method: clinical testing. Allele origin: germline.
Comment: This sequence change replaces serine, which is neutral and polar, with leucine, which is neutral and non-polar, at codon 4264 of the PLEC protein (p.Ser4264Leu). This variant is present in population databases (rs782530213, gnomAD 0.01%). This variant has not been reported in the literature in individuals affected with PLEC-related conditions. ClinVar contains an entry for this variant (Variation ID: 859157). Invitae Evidence Modeling of protein sequence and biophysical properties (such as structural, functional, and spatial information, amino acid conservation, physicochemical variation, residue mobility, and thermodynamic stability) has been performed for this missense variant. However, the output from this modeling did not meet the statistical confidence thresholds required to predict the impact of this variant on PLEC protein function. In summary, the available evidence is currently insufficient to determine the role of this variant in disease. Therefore, it has been classified as a Variant of Uncertain Significance.